The following is an entry in ClinVar:

GRCh37/hg19 3q23(chr3:141867689-142051761)x3

Genes: GK5 (glycerol kinase 5; minus strand), TFDP2 (transcription factor Dp-2; minus strand), XRN1 (5'-3' exoribonuclease 1; minus strand). Cytogenetic location: 3q23.
Variant type: copy number gain.
Change: copy number 3 (three copies instead of two) of chr3:141,867,689-142,051,761 (184.1 kb, GRCh37 coordinates, 1-based), cytogenetic band 3q23.
Identifiers: ClinVar variation 393964 (VCV000393964.3).

ClinVar aggregate classification (germline): Benign/Likely benign (0 of 4 stars; one submission).

Submission:

ISCA Site 6
Classification: Benign/Likely benign. Review status: no assertion criteria provided. Collection method: clinical testing. Allele origin: unknown. Affected: yes. Observed: 7 variant alleles. Clinical features observed: Developmental delay AND/OR other significant developmental or morphological phenotypes.
Comment: Likely benign (1), Benign (6)

Copy number variation identified through the course of routine clinical cytogenomic testing in postnatal populations, with clinical assertions as classified by the original submitter. For data from the original published study, Kaminsky, et al. 2011 (PubMed 21844811), please see nstd101.